The following is an entry in ClinVar:

NM_001105206.3(LAMA4):c.5016T>A (p.Ile1672=)

Gene: LAMA4 (laminin subunit alpha 4; minus strand). Cytogenetic location: 6q21.
Variant type: single nucleotide variant.
Coding change: c.5016T>A on transcript NM_001105206.3 (MANE Select); coding-DNA position 5016, T replaced by A.
Protein change: p.Ile1672=; no amino-acid change (isoleucine 1672 retained).
Molecular consequence: synonymous variant.
Genome position (GRCh38, 1-based): chr6:112,115,959, A>T on the plus strand (T>A on the coding strand, the complement: LAMA4 is on the minus strand). VCF-style: chr6-112115959-A-T. GRCh37 (hg19) VCF-style: chr6-112437162-A-T.
Other names: p.I1665I:ATT>ATA; c.4995T>A, p.Ile1665= (NM_001105207.3, NM_002290.5).
Identifiers: ClinVar variation 44400 (VCV000044400.32), dbSNP rs148517180, ClinGen allele CA282397.
Genomic context (GRCh38, chr6:112,115,959, plus strand): 5'-ATTGACACTGTGGCCGTGGACCAGGGTTCCGGAACTGCTTCTGGGACGGACTTCAAATGC[A>T]ATTTCAAACTTCAATCCAATATTGAAAGATTCATCTGTGGAGAGAAACACTATAAACTCC-3'
Protein context (NP_001098676.2, residues 1662-1682): ESFNIGLKFE[Ile1672=]AFEVRPRSSS

ClinVar aggregate classification (germline): Benign/Likely benign. Review status: criteria provided, multiple submitters, no conflicts (2 of 4 stars). 12 submissions from 12 submitters: Benign (7); Likely benign (3). 2 of the submissions do not count toward it. Last evaluated 2026-01-25.

Conditions:
Dilated cardiomyopathy 1JJ (CMD1JJ). Identifiers: Orphanet 154, MedGen C3808935, MONDO:0014095, OMIM 615235.
Cardiomyopathy (CMYO). Also called: Cardiomyopathies. Identifiers: Orphanet 167848, MedGen C0878544, MONDO:0004994, HP:0001638. Inheritance: Various modes of inheritance.

Allele frequency attached by ClinVar (database versions not stated): gnomAD 0.00210 and 0.00194; ESP Exome Variant Server 0.00238; 1000 Genomes Project 0.00160; gnomAD exomes 0.00057; ExAC 0.00063; TOPMed 0.00229; 1000 Genomes Project 30x 0.00156.
gnomAD v4.1: 627 of 1,613,458 alleles (0.039%); highest among the groups gnomAD compares: African/African-American, 0.74%; 2 homozygotes.

Submissions (12):

Labcorp Genetics (formerly Invitae), Labcorp
Classification: Benign for Dilated cardiomyopathy 1JJ. Last evaluated: 2026-01-25. Review status: criteria provided, single submitter. Criteria: Invitae Variant Classification Sherloc (09022015). Collection method: clinical testing. Allele origin: germline.

CeGaT Center for Human Genetics Tuebingen
Classification: Likely benign. Last evaluated: 2025-07-01. Review status: criteria provided, single submitter. Criteria: CeGaT Center For Human Genetics Tuebingen Variant Classification Criteria Version 2. Collection method: clinical testing. Allele origin: germline. Affected: yes. Observed: 1 variant allele.
Comment: LAMA4: BP4, BP7

Women's Health and Genetics/Laboratory Corporation of America, LabCorp
Classification: Benign. Last evaluated: 2023-12-03. Review status: criteria provided, single submitter. Criteria: LabCorp Variant Classification Summary - May 2015. Collection method: clinical testing. Allele origin: germline.

ARUP Laboratories, Molecular Genetics and Genomics, ARUP Laboratories
Classification: Benign for Dilated cardiomyopathy 1JJ. Last evaluated: 2023-11-22. Review status: criteria provided, single submitter. Criteria: ARUP Molecular Germline Variant Investigation Process 2024. Collection method: clinical testing. Allele origin: germline.

Fulgent Genetics
Classification: Likely benign for Dilated cardiomyopathy 1JJ. Last evaluated: 2022-01-21. Review status: criteria provided, single submitter. Criteria: ACMG Guidelines, 2015. Collection method: clinical testing. Allele origin: unknown.

CHEO Genetics Diagnostic Laboratory, Children's Hospital of Eastern Ontario
Classification: Benign for Cardiomyopathy. Last evaluated: 2017-10-30. Review status: criteria provided, single submitter. Criteria: ACMG Guidelines, 2015. Collection method: clinical testing. Allele origin: germline. Study: Canadian Open Genetics Repository.

Clinical Genetics DNA and cytogenetics Diagnostics Lab, Erasmus MC, Erasmus Medical Center
Classification: Likely benign for Dilated cardiomyopathy 1JJ. Last evaluated: 2017-06-28. Review status: criteria provided, single submitter. Criteria: ACGS Guidelines, 2013. Collection method: clinical testing. Allele origin: germline. Affected: yes. Study: VKGL Data-share Consensus.

Genome Diagnostics Laboratory, University Medical Center Utrecht
Classification: Benign for Dilated cardiomyopathy 1JJ. Last evaluated: 2017-05-02. Review status: criteria provided, single submitter. Criteria: ACGS Guidelines, 2013. Collection method: clinical testing. Allele origin: germline. Affected: yes. Study: VKGL Data-share Consensus.

GeneDx
Classification: Benign. Last evaluated: 2015-01-29. Review status: criteria provided, single submitter. Criteria: GeneDx Variant Classification (06012015). Collection method: clinical testing. Allele origin: germline. Affected: yes.
Comment: This variant is considered likely benign or benign based on one or more of the following criteria: it is a conservative change, it occurs at a poorly conserved position in the protein, it is predicted to be benign by multiple in silico algorithms, and/or has population frequency not consistent with disease.

Laboratory for Molecular Medicine, Mass General Brigham Personalized Medicine
Classification: Benign. Last evaluated: 2012-03-19. Review status: criteria provided, single submitter. Criteria: LMM Criteria. Collection method: clinical testing. Allele origin: germline. Observed: 3 variant alleles.
Comment: p.Ile1665Ile in Exon 36 of LAMA4: This variant is not expected to have clinical significance because it does not alter an amino acid residue, is not located wit hin the splice consensus sequence and has been identified in 0.7% (25/3738) of A frican American chromosomes from a broad population by the NHLBI Exome Sequencin g Project (dbSNP rs148517180).

Clinical Genetics, Academic Medical Center
Classification: Benign. Review status: no assertion criteria provided. Collection method: clinical testing. Allele origin: germline. Affected: yes. Study: VKGL Data-share Consensus. Not counted in ClinVar's aggregate classification.

Joint Genome Diagnostic Labs from Nijmegen and Maastricht, Radboudumc and MUMC+
Classification: Benign. Review status: no assertion criteria provided. Collection method: clinical testing. Allele origin: germline. Affected: yes. Study: VKGL Data-share Consensus. Not counted in ClinVar's aggregate classification.